The following is an entry in ClinVar:

ClinVar aggregate classification (germline): Uncertain significance (1 of 4 stars; one submission).

Submission:

GeneDx
Classification: Uncertain significance. Last evaluated: 2020-01-16. Review status: criteria provided, single submitter. Criteria: GeneDx Variant Classification Process June 2021. Collection method: clinical testing. Allele origin: germline. Affected: yes.
Comment: Not observed in large population cohorts (Lek et al., 2016); In silico analysis, which includes protein predictors and evolutionary conservation, supports a deleterious effect; Has not been previously published as pathogenic or benign to our knowledge

NM_001378183.1(PIEZO2):c.7815A>T (p.Glu2605Asp)

Gene: PIEZO2 (piezo type mechanosensitive ion channel component 2; minus strand). Cytogenetic location: 18p11.22.
Variant type: single nucleotide variant.
Coding change: c.7815A>T on transcript NM_001378183.1 (MANE Select); coding-DNA position 7815, A replaced by T.
Protein change: p.Glu2605Asp; replaces glutamic acid 2605 with aspartic acid.
Molecular consequence: missense variant.
Genome position (GRCh38, 1-based): chr18:10,680,336, T>A on the plus strand (A>T on the coding strand, the complement: PIEZO2 is on the minus strand). VCF-style: chr18-10680336-T-A. GRCh37 (hg19) VCF-style: chr18-10680333-T-A.
Other names: c.7476A>T, p.Glu2492Asp (NM_022068.4); short protein forms E2492D, E2605D.
Identifiers: ClinVar variation 1311161 (VCV001311161.2), dbSNP rs2143488038, ClinGen allele CA401914330.